The following is an entry in ClinVar:

NM_001330700.2(TOP2B):c.3800C>G (p.Thr1267Ser)

Gene: TOP2B (DNA topoisomerase II beta; minus strand). Cytogenetic location: 3p24.2.
Variant type: single nucleotide variant.
Coding change: c.3800C>G on transcript NM_001330700.2 (MANE Select); coding-DNA position 3800, C replaced by G.
Protein change: p.Thr1267Ser; replaces threonine 1267 with serine.
Molecular consequence: missense variant.
Genome position (GRCh38, 1-based): chr3:25,609,699, G>C on the plus strand (C>G on the coding strand, the complement: TOP2B is on the minus strand). VCF-style: chr3-25609699-G-C. GRCh37 (hg19) VCF-style: chr3-25651190-G-C.
Other names: c.3785C>G, p.Thr1262Ser (NM_001068.3); short protein forms T1262S, T1267S.
Identifiers: ClinVar variation 2112274 (VCV002112274.4), dbSNP rs1301841330, ClinGen allele CA351894573.
Genomic context (GRCh38, chr3:25,609,699, plus strand): 5'-CCTGCACCTTCTACTGGTGCTCCACTGAATTCTTCATCAAATTCCACTTTTACTGCTGCA[G>C]TATCAAGATCACCCTACATAATAAAAAGAAAATCAAGCCACGAGTAAAAATAAAAACATC-3'
Protein context (NP_001317629.1, residues 1257-1277): LLKKKKGDLD[Thr1267Ser]AAVKVEFDEE

ClinVar aggregate classification (germline): Uncertain significance (1 of 4 stars; one submission).

Submission:

Labcorp Genetics (formerly Invitae), Labcorp
Classification: Uncertain significance. Last evaluated: 2022-03-14. Review status: criteria provided, single submitter. Criteria: Invitae Variant Classification Sherloc (09022015). Collection method: clinical testing. Allele origin: germline.
Comment: This sequence change replaces threonine, which is neutral and polar, with serine, which is neutral and polar, at codon 1262 of the TOP2B protein (p.Thr1262Ser). This variant is not present in population databases (gnomAD no frequency). This variant has not been reported in the literature in individuals affected with TOP2B-related conditions. Algorithms developed to predict the effect of missense changes on protein structure and function (SIFT, PolyPhen-2, Align-GVGD) all suggest that this variant is likely to be tolerated. In summary, the available evidence is currently insufficient to determine the role of this variant in disease. Therefore, it has been classified as a Variant of Uncertain Significance.